The following is an entry in ClinVar:

ClinVar aggregate classification (germline): Uncertain significance (1 of 4 stars; one submission).

Conditions:
Hereditary cancer-predisposing syndrome. Also called: Neoplastic Syndromes, Hereditary; Hereditary Cancer Syndrome; Tumor predisposition; Hereditary neoplastic syndrome. Identifiers: Orphanet 140162, MedGen C0027672, MeSH D009386, MONDO:0015356.

Submission:

Ambry Genetics
Classification: Uncertain significance for Hereditary cancer-predisposing syndrome. Last evaluated: 2025-01-25. Review status: criteria provided, single submitter. Criteria: Ambry Variant Classification Scheme 2023. Collection method: clinical testing. Allele origin: germline.
Comment: The p.S131Y variant (also known as c.392C>A), located in coding exon 4 of the RAD50 gene, results from a C to A substitution at nucleotide position 392. The serine at codon 131 is replaced by tyrosine, an amino acid with dissimilar properties. This amino acid position is conserved. In addition, the in silico prediction for this alteration is inconclusive. Based on the available evidence, the clinical significance of this variant remains unclear.

NM_005732.4(RAD50):c.392C>A (p.Ser131Tyr)

Gene: RAD50 (RAD50 double strand break repair protein; plus strand). Cytogenetic location: 5q31.1.
Variant type: single nucleotide variant.
Coding change: c.392C>A on transcript NM_005732.4 (MANE Select); coding-DNA position 392, C replaced by A.
Protein change: p.Ser131Tyr; replaces serine 131 with tyrosine.
Molecular consequence: missense variant.
Genome position (GRCh38, 1-based): chr5:132,579,343, C>A. VCF-style: chr5-132579343-C-A. GRCh37 (hg19) VCF-style: chr5-131915035-C-A.
Other names: short protein forms S131Y.
Identifiers: ClinVar variation 3786300 (VCV003786300.1).